The following is an entry in ClinVar:

NM_013450.4(BAZ2B):c.3452G>A (p.Gly1151Asp)

Gene: BAZ2B (bromodomain adjacent to zinc finger domain 2B; minus strand). Cytogenetic location: 2q24.2.
Variant type: single nucleotide variant.
Coding change: c.3452G>A on transcript NM_013450.4 (MANE Select); coding-DNA position 3452, G replaced by A.
Protein change: p.Gly1151Asp; replaces glycine 1151 with aspartic acid.
Molecular consequence: missense variant.
Genome position (GRCh38, 1-based): chr2:159,386,372, C>T on the plus strand (G>A on the coding strand, the complement: BAZ2B is on the minus strand). VCF-style: chr2-159386372-C-T. GRCh37 (hg19) VCF-style: chr2-160242883-C-T.
Other names: c.3344G>A, p.Gly1115Asp (NM_001289975.1); c.3290G>A, p.Gly1097Asp (NM_001329857.2); c.3377G>A, p.Gly1126Asp (NM_001329858.2); short protein forms G1097D, G1115D, G1126D, G1151D.
Identifiers: ClinVar variation 3370223 (VCV003370223.1).
Genomic context (GRCh38, chr2:159,386,372, plus strand): 5'-CAGTACAAATTTAAAACATTTTATATTTTGTTTTTTTTTACCTTGTATCCTGTTATTAGA[C>T]CTGGATCACATACAGCAGCTGAGAGGAGCCTCACAAGCAAGTCTTGTACTTCACCCATGC-3'
Protein context (NP_038478.2, residues 1141-1161): RLLSAAVCDP[Gly1151Asp]LITGYKAKTA

ClinVar aggregate classification (germline): Uncertain significance (1 of 4 stars; one submission).

Submission:

GeneDx
Classification: Uncertain significance. Last evaluated: 2023-12-21. Review status: criteria provided, single submitter. Criteria: GeneDx Variant Classification Process June 2021. Collection method: clinical testing. Allele origin: germline. Affected: yes.
Comment: Not observed at significant frequency in large population cohorts (gnomAD); In silico analysis supports that this missense variant has a deleterious effect on protein structure/function; Has not been previously published as pathogenic or benign to our knowledge